The following is an entry in ClinVar:

NM_007166.4(PICALM):c.547-5C>T

Gene: PICALM (phosphatidylinositol binding clathrin assembly protein; minus strand). Cytogenetic location: 11q14.2.
Variant type: single nucleotide variant.
Coding change: c.547-5C>T on transcript NM_007166.4 (MANE Select); 5 bases into the intron before coding-DNA position 547, C replaced by T.
Molecular consequence: intron variant.
Genome position (GRCh38, 1-based): chr11:86,012,397, G>A on the plus strand (C>T on the coding strand, the complement: PICALM is on the minus strand). VCF-style: chr11-86012397-G-A. GRCh37 (hg19) VCF-style: chr11-85723440-G-A.
Other names: c.394-5C>T (NM_001206947.2); c.547-5C>T (NM_001008660.3, NM_001206946.2, NM_001411034.1).
Identifiers: ClinVar variation 3052585 (VCV003052585.2), dbSNP rs368682557, ClinGen allele CA6216070.
Genomic context (GRCh38, chr11:86,012,397, plus strand): 5'-AACAGGAGCATGAAGGCAGCATTTATTACCCCATTTGTAAGTTCATTGCTATTAACCTAG[G>A]GAAAAATTGGAAAATAAAATTAGCTAATCTTAGGTTTTAAATGACATTGACAAAAAGATT-3'

ClinVar aggregate classification (germline): Likely benign (0 of 4 stars; one submission).

Conditions:
PICALM-related disorder. Also called: PICALM-related condition.

Allele frequency attached by ClinVar (database versions not stated): ESP Exome Variant Server 0.00015; gnomAD 0.00021; TOPMed 0.00021; ExAC 0.00025; gnomAD exomes 0.00039.
gnomAD v4.1: 560 of 1,478,376 alleles (0.038%); highest among the groups gnomAD compares: Non-Finnish European, 0.049%; no homozygotes.

Submission:

PreventionGenetics, part of Exact Sciences
Classification: Likely benign for PICALM-related condition. Last evaluated: 2019-08-22. Review status: no assertion criteria provided. Collection method: clinical testing. Allele origin: germline.
Comment: This variant is classified as likely benign based on ACMG/AMP sequence variant interpretation guidelines (Richards et al. 2015 PMID: 25741868, with internal and published modifications).